The following is an entry in ClinVar:

NM_001042492.3(NF1):c.513del (p.Asn171fs)

Gene: NF1 (neurofibromin 1; plus strand). Cytogenetic location: 17q11.2.
Variant type: Deletion.
Coding change: c.513del on transcript NM_001042492.3 (MANE Select); coding-DNA position 513, one base deleted (T; older notation c.513delT).
Protein change: p.Asn171fs; shifts the reading frame from asparagine 171.
Molecular consequence: frameshift variant.
Genome position (GRCh38, 1-based): chr17:31,169,924, T deleted. VCF-style (leftmost placement, unchanged base first): chr17-31169923-AT-A. GRCh37 (hg19) VCF-style: chr17-29496941-AT-A.
Other names: c.513delT, p.Asn171Lysfs (NM_000267.4); c.513del, p.Asn171fs (NM_001128147.3); short protein forms N171fs.
Identifiers: ClinVar variation 1393936 (VCV001393936.6), dbSNP rs2143707235, ClinGen allele CA2573153522.

ClinVar aggregate classification (germline): Pathogenic (1 of 4 stars; one submission).

Conditions:
Neurofibromatosis, type 1 (NF1). Also called: VON RECKLINGHAUSEN DISEASE; Neurofibromatosis, type I; NEUROFIBROMATOSIS, TYPE I, SOMATIC; Peripheral type neurofibromatosis. Identifiers: Orphanet 636, MedGen C0027831, MONDO:0018975, OMIM 162200. Disease mechanism: loss of function.

Submission:

Labcorp Genetics (formerly Invitae), Labcorp
Classification: Pathogenic for Neurofibromatosis, type 1. Last evaluated: 2021-10-06. Review status: criteria provided, single submitter. Criteria: Invitae Variant Classification Sherloc (09022015). Collection method: clinical testing. Allele origin: germline.
Comment: For these reasons, this variant has been classified as Pathogenic. This variant has not been reported in the literature in individuals affected with NF1-related conditions. This variant is not present in population databases (ExAC no frequency). This sequence change creates a premature translational stop signal (p.Asn171Lysfs*7) in the NF1 gene. It is expected to result in an absent or disrupted protein product. Loss-of-function variants in NF1 are known to be pathogenic (PMID: 10712197, 23913538).

Literature cited by the submitters: PubMed 10712197; PubMed 23913538.